The following is an entry in ClinVar:

ClinVar aggregate classification (germline): Uncertain significance (1 of 4 stars; one submission).

Conditions:
Inborn genetic diseases. Identifiers: MedGen C0950123, MeSH D030342.

Submission:

Ambry Genetics
Classification: Uncertain significance for Inborn genetic diseases. Last evaluated: 2024-08-18. Review status: criteria provided, single submitter. Criteria: Ambry Variant Classification Scheme 2023. Collection method: clinical testing. Allele origin: germline.
Comment: The p.K189E variant (also known as c.565A>G), located in coding exon 5 of the AKT1 gene, results from an A to G substitution at nucleotide position 565. The lysine at codon 189 is replaced by glutamic acid, an amino acid with similar properties. This amino acid position is conserved. In addition, the in silico prediction for this alteration is inconclusive. Based on the available evidence, the clinical significance of this variant remains unclear.

NM_001382430.1(AKT1):c.565A>G (p.Lys189Glu)

Gene: AKT1 (AKT serine/threonine kinase 1; minus strand). Cytogenetic location: 14q32.33.
Variant type: single nucleotide variant.
Coding change: c.565A>G on transcript NM_001382430.1 (MANE Select); coding-DNA position 565, A replaced by G.
Protein change: p.Lys189Glu; replaces lysine 189 with glutamic acid.
Molecular consequence: missense variant.
Genome position (GRCh38, 1-based): chr14:104,775,078, T>C on the plus strand (A>G on the coding strand, the complement: AKT1 is on the minus strand). VCF-style: chr14-104775078-T-C. GRCh37 (hg19) VCF-style: chr14-105241415-T-C.
Other names: c.565A>G, p.Lys189Glu (NM_001014431.2, NM_001014432.2, NM_001382431.1 and 3 more transcripts); short protein forms K189E.
Identifiers: ClinVar variation 3518984 (VCV003518984.1).